The following is an entry in ClinVar:

NM_032043.3(BRIP1):c.2273dup (p.Ala759fs)

Gene: BRIP1 (BRCA1 interacting DNA helicase 1; minus strand). Cytogenetic location: 17q23.2.
Variant type: Duplication.
Coding change: c.2273dup on transcript NM_032043.3 (MANE Select); coding-DNA position 2273, one base duplicated (T; older notation c.2273dupT).
Protein change: p.Ala759fs; shifts the reading frame from alanine 759.
Molecular consequence: frameshift variant.
Genome position (GRCh38, 1-based): chr17:61,743,119, A duplicated on the plus strand (T on the coding strand, the reverse complement: BRIP1 is on the minus strand). VCF-style (leftmost placement, unchanged base first): chr17-61743118-T-TA. GRCh37 (hg19) VCF-style: chr17-59820479-T-TA.
Other names: c.2273dupT (NM_032043.2); short protein forms A759fs.
Identifiers: ClinVar variation 128170 (VCV000128170.73), dbSNP rs587780236, ClinGen allele CA288549.

ClinVar aggregate classification (germline): Pathogenic/Likely pathogenic. Review status: criteria provided, multiple submitters, no conflicts (2 of 4 stars). 14 submissions from 14 submitters: Pathogenic (11); Likely pathogenic (1). 2 of the submissions do not count toward it. Last evaluated 2026-01-17.

Conditions:
Fanconi anemia complementation group J. Also called: BRIP1-Related Fanconi Anemia. Identifiers: Orphanet 84, MedGen C1836860, MONDO:0012187, OMIM 609054.
Ovarian cancer. Also called: OVARIAN CANCER, SOMATIC. Identifiers: Orphanet 213500, MedGen C1140680, MONDO:0008170, OMIM 167000.
Hereditary cancer-predisposing syndrome. Also called: Tumor predisposition; Hereditary neoplastic syndrome; Neoplastic Syndromes, Hereditary; Hereditary Cancer Syndrome. Identifiers: Orphanet 140162, MedGen C0027672, MeSH D009386, MONDO:0015356.
Familial cancer of breast. Also called: Hereditary breast cancer; hereditary breast carcinoma; BREAST CANCER, FAMILIAL. Identifiers: Orphanet 227535, MedGen C0346153, MONDO:0016419, OMIM 114480. Disease mechanism: loss of function.

Allele frequency attached by ClinVar (database versions not stated): gnomAD exomes below 0.00001 and 0.00001; TOPMed below 0.00001; ExAC 0.00001; gnomAD 0.00001.

Submissions (14):

Labcorp Genetics (formerly Invitae), Labcorp
Classification: Pathogenic for Familial cancer of breast; Fanconi anemia complementation group J. Last evaluated: 2026-01-17. Review status: criteria provided, single submitter. Criteria: Invitae Variant Classification Sherloc (09022015). Collection method: clinical testing. Allele origin: germline.
Comment: This sequence change creates a premature translational stop signal (p.Ala759Serfs*6) in the BRIP1 gene. It is expected to result in an absent or disrupted protein product. Loss-of-function variants in BRIP1 are known to be pathogenic (PMID: 16116423, 17033622, 21964575). This variant is present in population databases (rs587780236, gnomAD 0.002%). This premature translational stop signal has been observed in individual(s) with prostate cancer (PMID: 26681312, 27433846, 29368626). ClinVar contains an entry for this variant (Variation ID: 128170). For these reasons, this variant has been classified as Pathogenic.

Institute of Human Genetics, University of Leipzig Medical Center
Classification: Pathogenic for Familial cancer of breast. Last evaluated: 2025-03-31. Review status: criteria provided, single submitter. Criteria: ACMG Guidelines, 2015. Collection method: clinical testing. Allele origin: unknown. Inheritance: Autosomal dominant inheritance. Affected: yes.
Comment: Criteria applied: PVS1,PS4,PM2_SUP

Department of Clinical Genetics, Copenhagen University Hospital, Rigshospitalet
Classification: Likely pathogenic for Hereditary cancer-predisposing syndrome. Last evaluated: 2025-02-04. Review status: criteria provided, single submitter. Criteria: ACMG Guidelines, 2015. Collection method: clinical testing. Allele origin: germline.
Comment: PVS1; PM2_SUP

Ambry Genetics
Classification: Pathogenic for Hereditary cancer-predisposing syndrome. Last evaluated: 2024-08-28. Review status: criteria provided, single submitter. Criteria: Ambry Variant Classification Scheme 2023. Collection method: clinical testing. Allele origin: germline.
Comment: The c.2273dupT pathogenic mutation, located in coding exon 15 of the BRIP1 gene, results from a duplication of T at nucleotide position 2273, causing a translational frameshift with a predicted alternate stop codon (p.A759Sfs*6). This alteration has been identified in individuals diagnosed with breast, ovarian and/or prostate cancer (Pritchard CC et al. N. Engl. J. Med. 2016 Aug;375:443-53; Weber-Lassalle N et al. Breast Cancer Res, 2018 01;20:7; Dorling et al. N Engl J Med. 2021 02;384:428-43) and in 1/10030 consecutive patients referred for evaluation by an NGS hereditary cancer panel (Susswein LR et al. Genet. Med. 2016 08;18:823-32). This variant is considered to be rare based on population cohorts in the Genome Aggregation Database (gnomAD). In addition to the clinical data presented in the literature, this alteration is expected to result in loss of function by premature protein truncation or nonsense-mediated mRNA decay. As such, this alteration is interpreted as a disease-causing mutation.

GeneDx
Classification: Pathogenic. Last evaluated: 2024-04-21. Review status: criteria provided, single submitter. Criteria: GeneDx Variant Classification Process June 2021. Collection method: clinical testing. Allele origin: germline. Affected: yes.
Comment: Frameshift variant predicted to result in protein truncation or nonsense mediated decay in a gene for which loss of function is a known mechanism of disease; Not observed at significant frequency in large population cohorts (gnomAD); This variant is associated with the following publications: (PMID: 26681312, 29922827, 27433846, 27806231, 29368626, 29625052, 32359370, 36451132, 33471991)

Institute of Immunology and Genetics Kaiserslautern
Classification: Pathogenic for Familial cancer of breast. Last evaluated: 2024-03-06. Review status: criteria provided, single submitter. Criteria: ACMG Guidelines, 2015. Collection method: clinical testing. Allele origin: maternal. Affected: yes.
Comment: ACMG Criteria: PVS1, PM2, PP4, PP5; Variant was found in heterozygous state

Baylor Genetics
Classification: Pathogenic for Familial cancer of breast. Last evaluated: 2023-11-08. Review status: criteria provided, single submitter. Criteria: ACMG Guidelines, 2015. Collection method: clinical testing. Allele origin: unknown.

Myriad Genetics, Inc.
Classification: Pathogenic for Familial cancer of breast. Last evaluated: 2023-03-02. Review status: criteria provided, single submitter. Criteria: Myriad Autosomal Dominant, Autosomal Recessive and X-Linked Classification Criteria (2023). Collection method: clinical testing. Allele origin: unknown.
Comment: This variant is considered pathogenic. This variant creates a frameshift predicted to result in premature protein truncation.

MGZ Medical Genetics Center
Classification: Pathogenic for Familial cancer of breast. Last evaluated: 2022-06-27. Review status: criteria provided, single submitter. Criteria: ACMG Guidelines, 2015. Collection method: clinical testing. Allele origin: germline. Affected: yes. Observed: 2 variant alleles.
Comment: ACMG criteria applied: PVS1, PS4_SUP, PM2_SUP

Color Diagnostics, LLC DBA Color Health
Classification: Pathogenic for Hereditary cancer-predisposing syndrome. Last evaluated: 2020-01-15. Review status: criteria provided, single submitter. Criteria: ACMG Guidelines, 2015. Collection method: clinical testing. Allele origin: germline.
Comment: This variant inserts 1 nucleotide in exon 16 of the BRIP1 gene, creating a frameshift and premature translation stop signal. This variant is expected to result in an absent or non-functional protein product. This variant has been identified in 2/251216 chromosomes in the general population by the Genome Aggregation Database (gnomAD). Loss of BRIP1 function is a known mechanism of disease. Based on the available evidence, this variant is classified as Pathogenic.

Women's Health and Genetics/Laboratory Corporation of America, LabCorp
Classification: Pathogenic for Familial cancer of breast. Last evaluated: 2019-10-10. Review status: criteria provided, single submitter. Criteria: LabCorp Variant Classification Summary - May 2015. Collection method: clinical testing. Allele origin: germline.
Comment: Variant summary: BRIP1 c.2273dupT (p.Ala759SerfsX6) results in a premature termination codon, predicted to cause a truncation of the encoded protein or absence of the protein due to nonsense mediated decay, which are commonly known mechanisms for disease. Truncations downstream of this position have been classified as pathogenic by our laboratory (c.2392C>T, p.Arg798X; c.2400C>G, p.Tyr800X). The variant allele was found at a frequency of 8e-06 in 251216 control chromosomes (gnomAD). c.2273dupT has been reported in the literature in individuals affected with endometrial, prostate, ovarian or breast cancer (Susswein_2016, Pritchard_2016, Weber-Lassalle_2018). These data indicate that the variant is likely to be associated with disease. To our knowledge, no experimental evidence demonstrating an impact on protein function has been reported. Five clinical diagnostic laboratories have submitted clinical-significance assessments for this variant to ClinVar after 2014 without evidence for independent evaluation. All laboratories classified the variant as pathogenic/likely pathogenic. Based on the evidence outlined above, the variant was classified as pathogenic.

CeGaT Center for Human Genetics Tuebingen
Classification: Pathogenic. Last evaluated: 2018-06-01. Review status: criteria provided, single submitter. Criteria: CeGaT Center For Human Genetics Tuebingen Variant Classification Criteria Version 2. Collection method: clinical testing. Allele origin: germline. Affected: yes. Observed: 1 variant allele.

Leiden Open Variation Database
Classification: Likely pathogenic. Last evaluated: 2019-12-04. Review status: no assertion criteria provided. Collection method: curation. Allele origin: germline. Affected: yes. Not counted in ClinVar's aggregate classification.
Comment: Curator: Arleen D. Auerbach. Submitter to LOVD: Andreas Laner.

Counsyl
Classification: Likely pathogenic for Fanconi anemia complementation group J; Ovarian cancer. Last evaluated: 2016-11-18. Review status: no assertion criteria provided. Collection method: clinical testing. Allele origin: unknown. Not counted in ClinVar's aggregate classification.

Literature cited by the submitters: PubMed 16116423 (cited by Labcorp Genetics (formerly Invitae), Labcorp); PubMed 17033622 (cited by Labcorp Genetics (formerly Invitae), Labcorp); PubMed 21964575 (cited by Labcorp Genetics (formerly Invitae), Labcorp); PubMed 26681312 (cited by 4 submitters); PubMed 27433846 (cited by 3 submitters); PubMed 29368626 (cited by 3 submitters); PubMed 33471991 (cited by Ambry Genetics); PubMed 29922827 (cited by Women's Health and Genetics/Laboratory Corporation of America, LabCorp).